The following is an entry in ClinVar:

NM_000431.4(MVK):c.815C>T (p.Ser272Phe)

Gene: MVK (mevalonate kinase; plus strand). Cytogenetic location: 12q24.11.
Variant type: single nucleotide variant.
Coding change: c.815C>T on transcript NM_000431.4 (MANE Select); coding-DNA position 815, C replaced by T.
Protein change: p.Ser272Phe; replaces serine 272 with phenylalanine.
Molecular consequence: missense variant.
Genome position (GRCh38, 1-based): chr12:109,591,287, C>T. VCF-style: chr12-109591287-C-T. GRCh37 (hg19) VCF-style: chr12-110029092-C-T.
Other names: c.815C>T, p.Ser272Phe (NM_001114185.3); c.659C>T, p.Ser220Phe (NM_001301182.2); short protein forms S272F, S220F.
Identifiers: ClinVar variation 97629 (VCV000097629.26), dbSNP rs104895318, ClinGen allele CA149906.

ClinVar aggregate classification (germline): Conflicting classifications of pathogenicity. Review status: criteria provided, conflicting classifications (1 of 4 stars). 5 submissions from 5 submitters: Pathogenic (1); Likely pathogenic (1); Uncertain significance (2). 1 of the submissions does not count toward it. Last evaluated 2024-10-16.

Conditions:
Autoinflammatory syndrome. Identifiers: Orphanet 93665, MedGen C3890737, MONDO:0019751.
MVK-related disorder. Also called: MVK-related condition; MVK-related disorders. Identifiers: MedGen CN239294.
Mevalonic aciduria (MEVA). Identifiers: Orphanet 29, MedGen C1959626, MONDO:0012481, OMIM 610377.
Porokeratosis 3, disseminated superficial actinic type (POROK3). Also called: POROKERATOSIS 3, MULTIPLE TYPES; POROKERATOSIS 3, MIBELLI TYPE; POROKERATOSIS, DISSEMINATED SUPERFICIAL ACTINIC, 1. Identifiers: MedGen C1867981, MONDO:0008293, OMIM 175900.
Hyperimmunoglobulin D with periodic fever (HIDS). Also called: Hyperimmunoglobulinemia D with periodic fever; HYPERIMMUNOGLOBULINEMIA D AND PERIODIC FEVER SYNDROME; Hyperimmunoglobulinemia D. Identifiers: Orphanet 343, MedGen C0398691, MONDO:0009849, OMIM 260920.

Allele frequency attached by ClinVar (database versions not stated): gnomAD exomes below 0.00001.

Submissions (5):

Labcorp Genetics (formerly Invitae), Labcorp
Classification: Pathogenic for Mevalonic aciduria; Hyperimmunoglobulin D with periodic fever; Porokeratosis 3, disseminated superficial actinic type. Last evaluated: 2024-10-16. Review status: criteria provided, single submitter. Criteria: Invitae Variant Classification Sherloc (09022015). Collection method: clinical testing. Allele origin: germline.
Comment: This sequence change replaces serine, which is neutral and polar, with phenylalanine, which is neutral and non-polar, at codon 272 of the MVK protein (p.Ser272Phe). This variant is not present in population databases (gnomAD no frequency). This missense change has been observed in individual(s) with clinical features of autosomal recessive mevalonate kinase deficiency (PMID: 16835861, 29047407; internal data). ClinVar contains an entry for this variant (Variation ID: 97629). Invitae Evidence Modeling of protein sequence and biophysical properties (such as structural, functional, and spatial information, amino acid conservation, physicochemical variation, residue mobility, and thermodynamic stability) indicates that this missense variant is expected to disrupt MVK protein function with a positive predictive value of 95%. For these reasons, this variant has been classified as Pathogenic.

CeGaT Center for Human Genetics Tuebingen
Classification: Uncertain significance. Last evaluated: 2024-05-01. Review status: criteria provided, single submitter. Criteria: CeGaT Center For Human Genetics Tuebingen Variant Classification Criteria Version 2. Collection method: clinical testing. Allele origin: germline. Affected: yes. Observed: 1 variant allele.
Comment: MVK: PM2

Blueprint Genetics
Classification: Likely pathogenic for MVK-related disorders. Last evaluated: 2024-01-12. Review status: criteria provided, single submitter. Criteria: ACMG Guidelines, 2015. Collection method: clinical testing. Allele origin: germline. Affected: yes. Observed: 1 variant allele.

Genome Diagnostics Laboratory, The Hospital for Sick Children
Classification: Uncertain significance for Autoinflammatory syndrome. Last evaluated: 2018-05-01. Review status: criteria provided, single submitter. Criteria: ACMG Guidelines, 2015. Collection method: clinical testing. Allele origin: germline. Affected: yes.

Unité médicale des maladies autoinflammatoires, CHRU Montpellier
No classification provided. Condition: Hyperimmunoglobulin D with periodic fever. Review status: no classification provided. Collection method: not provided. Allele origin: unknown. Not counted in ClinVar's aggregate classification.
Comment: also involved in OMIM 25117

Literature cited by the submitters: PubMed 16835861 (cited by Labcorp Genetics (formerly Invitae), Labcorp); PubMed 29047407 (cited by Labcorp Genetics (formerly Invitae), Labcorp).